The following is an entry in ClinVar:

NM_138295.5(PKD1L1):c.8061C>T (p.Pro2687=)

Genes: PKD1L1 (polycystin 1 like 1, transient receptor potential channel interacting; minus strand), PKD1L1-AS1 (PKD1L1 antisense RNA 1; plus strand). Cytogenetic location: 7p12.3.
Variant type: single nucleotide variant.
Coding change: c.8061C>T on transcript NM_138295.5 (MANE Select); coding-DNA position 8061, C replaced by T.
Protein change: p.Pro2687=; no amino-acid change (proline 2687 retained).
Molecular consequence: synonymous variant.
Genome position (GRCh38, 1-based): chr7:47,800,781, G>A on the plus strand (C>T on the coding strand, the complement: PKD1L1 is on the minus strand). VCF-style: chr7-47800781-G-A. GRCh37 (hg19) VCF-style: chr7-47840379-G-A.
Other names: c.8061C>T (NM_138295.3).
Identifiers: ClinVar variation 2182818 (VCV002182818.6), dbSNP rs138774842, ClinGen allele CA4251827.
Genomic context (GRCh38, chr7:47,800,781, plus strand): 5'-CTTGGAAAGGCCAAGGAGGCAGTCTTTTTGGCTTCTTCTGGGAAAATGAAACAGCAGCCC[G>A]GGGAAGGCGTCTGTGAAGGTGCCAGGTGGTAGAACCCACATAGAGAGCAGAAATCGGTGC-3'
Protein context (NP_612152.1, residues 2677-2697): LPPGTFTDAF[Pro2687=]GLLFHFPRRS

ClinVar aggregate classification (germline): Benign. Review status: criteria provided, single submitter (1 of 4 stars). 2 submissions from 2 submitters: Benign (1). 1 of the submissions does not count toward it. Last evaluated 2025-12-31.

Conditions:
PKD1L1-related disorder. Also called: PKD1L1-related condition.

Allele frequency attached by ClinVar (database versions not stated): ESP Exome Variant Server 0.00008; TOPMed 0.00008; gnomAD 0.00009; gnomAD exomes 0.00018; ExAC 0.00019; 1000 Genomes Project 0.00020; 1000 Genomes Project 30x 0.00031.
gnomAD v4.1: 285 of 1,614,040 alleles (0.018%); highest among the groups gnomAD compares: South Asian, 0.082%; 2 homozygotes.

Submissions (2):

Labcorp Genetics (formerly Invitae), Labcorp
Classification: Benign. Last evaluated: 2025-12-31. Review status: criteria provided, single submitter. Criteria: Invitae Variant Classification Sherloc (09022015). Collection method: clinical testing. Allele origin: germline.

PreventionGenetics, part of Exact Sciences
Classification: Likely benign for PKD1L1-related condition. Last evaluated: 2019-05-08. Review status: no assertion criteria provided. Collection method: clinical testing. Allele origin: germline. Not counted in ClinVar's aggregate classification.
Comment: This variant is classified as likely benign based on ACMG/AMP sequence variant interpretation guidelines (Richards et al. 2015 PMID: 25741868, with internal and published modifications).